The following is an entry in ClinVar:

ClinVar aggregate classification (germline): Likely pathogenic (1 of 4 stars; one submission).

Conditions:
Peroxisome biogenesis disorder. Identifiers: Orphanet 79189, MedGen C1832200, MONDO:0019234. Disease mechanism: loss of function.

Submission:

Myriad Genetics, Inc.
Classification: Likely pathogenic for Peroxisome biogenesis disorder. Last evaluated: 2022-04-01. Review status: criteria provided, single submitter. Criteria: Myriad Autosomal Dominant, Autosomal Recessive and X-Linked Classification Criteria (2023). Collection method: clinical testing. Allele origin: unknown.
Comment: NM_153818.1(PEX10):c.522_523delCC(Q175Afs*61) is expected to be pathogenic in the context of peroxisome biogenesis disorder type 6. This variant is predicted to lead to an abnormal or absent protein product due to the creation of a premature termination codon in PEX10, a gene where loss-of-function variants are known to be pathogenic. Please note: this variant was assessed in the context of healthy population screening.

NM_002617.4(PEX10):c.522_523del (p.Gln175fs)

Gene: PEX10 (peroxisomal biogenesis factor 10; minus strand). Cytogenetic location: 1p36.32.
Variant type: Deletion.
Coding change: c.522_523del on transcript NM_002617.4 (MANE Select); coding-DNA positions 522 to 523, 2 bases deleted (CC; older notation c.522_523delCC).
Protein change: p.Gln175fs; shifts the reading frame from glutamine 175.
Molecular consequence: frameshift variant. On other transcripts: non-coding transcript variant (1).
Genome position (GRCh38, 1-based): chr1:2,408,529-2,408,530, GG deleted on the plus strand (CC on the coding strand, the reverse complement: PEX10 is on the minus strand). VCF-style (leftmost placement, unchanged base first): chr1-2408528-TGG-T. GRCh37 (hg19) VCF-style: chr1-2339967-TGG-T.
Other names: c.522_523del, p.Gln175fs (NM_001374425.1, NM_153818.2); c.90_91del, p.Gln31fs (NM_001374426.1, NM_001374427.1); short protein forms Q175fs, Q31fs.
Identifiers: ClinVar variation 1725819 (VCV001725819.3), dbSNP rs2522275908, ClinGen allele CA2580062498.